The following is an entry in ClinVar:

NM_001953.5(TYMP):c.516+1G>C

Gene: TYMP (thymidine phosphorylase; minus strand). Cytogenetic location: 22q13.33.
Variant type: single nucleotide variant.
Coding change: c.516+1G>C on transcript NM_001953.5 (MANE Select); the canonical splice donor site of the intron after coding-DNA position 516, G replaced by C.
Molecular consequence: splice donor variant.
Genome position (GRCh38, 1-based): chr22:50,528,511, C>G on the plus strand (G>C on the coding strand, the complement: TYMP is on the minus strand). VCF-style: chr22-50528511-C-G. GRCh37 (hg19) VCF-style: chr22-50966940-C-G.
Other names: c.516+1G>C (NM_001257989.1, NM_001257988.1, NM_001113755.3 and 1 more transcripts).
Identifiers: ClinVar variation 2820294 (VCV002820294.3), dbSNP rs778803158, ClinGen allele CA412201628.

ClinVar aggregate classification (germline): Likely pathogenic (1 of 4 stars; one submission).

Submission:

Labcorp Genetics (formerly Invitae), Labcorp
Classification: Likely pathogenic. Last evaluated: 2023-08-07. Review status: criteria provided, single submitter. Criteria: Invitae Variant Classification Sherloc (09022015). Collection method: clinical testing. Allele origin: germline.
Comment: This sequence change affects a donor splice site in intron 4 of the TYMP gene. It is expected to disrupt RNA splicing. Variants that disrupt the donor or acceptor splice site typically lead to a loss of protein function (PMID: 16199547), and loss-of-function variants in TYMP are known to be pathogenic (PMID: 9924029, 15781193). This variant is not present in population databases (gnomAD no frequency). Disruption of this splice site has been observed in individual(s) with clinical features of mitochondrial neurogastrointestinal encephalomyopathy (PMID: 9924029; Invitae). Studies have shown that disruption of this splice site is associated with altered splicing resulting in in-frame exon 4 skipping (PMID: 9924029). In summary, the currently available evidence indicates that the variant is pathogenic, but additional data are needed to prove that conclusively. Therefore, this variant has been classified as Likely Pathogenic.

Literature cited by the submitters: PubMed 16199547; PubMed 9924029; PubMed 15781193.